The following is an entry in ClinVar:

NM_001039660.2(IL18BP):c.94C>T (p.Pro32Ser)

Gene: IL18BP (interleukin 18 binding protein; plus strand). Cytogenetic location: 11q13.4.
Variant type: single nucleotide variant.
Coding change: c.94C>T on transcript NM_001039660.2 (MANE Select); coding-DNA position 94, C replaced by T.
Protein change: p.Pro32Ser; replaces proline 32 with serine.
Molecular consequence: missense variant.
Genome position (GRCh38, 1-based): chr11:72,000,416, C>T. VCF-style: chr11-72000416-C-T. GRCh37 (hg19) VCF-style: chr11-71711462-C-T.
Other names: c.94C>T, p.Pro32Ser (NM_173042.2, NM_173044.3, NM_001039659.2 and 3 more transcripts); short protein forms P32S.
Identifiers: ClinVar variation 3623515 (VCV003623515.2).

ClinVar aggregate classification (germline): Uncertain significance (1 of 4 stars; one submission).

Submission:

Labcorp Genetics (formerly Invitae), Labcorp
Classification: Uncertain significance. Last evaluated: 2024-08-27. Review status: criteria provided, single submitter. Criteria: Invitae Variant Classification Sherloc (09022015). Collection method: clinical testing. Allele origin: germline.
Comment: This sequence change replaces proline, which is neutral and non-polar, with serine, which is neutral and polar, at codon 32 of the IL18BP protein (p.Pro32Ser). This variant is present in population databases (rs748034618, gnomAD 0.003%). This variant has not been reported in the literature in individuals affected with IL18BP-related conditions. An algorithm developed to predict the effect of missense changes on protein structure and function outputs the following: PolyPhen-2: "Probably Damaging". The serine amino acid residue is found in multiple mammalian species, which suggests that this missense change does not adversely affect protein function. In summary, the available evidence is currently insufficient to determine the role of this variant in disease. Therefore, it has been classified as a Variant of Uncertain Significance.